The following is an entry in ClinVar:

ClinVar aggregate classification (germline): Uncertain significance (1 of 4 stars; one submission).

Submission:

GeneDx
Classification: Uncertain significance. Last evaluated: 2022-05-02. Review status: criteria provided, single submitter. Criteria: GeneDx Variant Classification Process June 2021. Collection method: clinical testing. Allele origin: germline. Affected: yes.
Comment: Not observed at significant frequency in large population cohorts (gnomAD); In silico analysis supports that this missense variant does not alter protein structure/function; Has not been previously published as pathogenic or benign to our knowledge

NM_004972.4(JAK2):c.2776A>G (p.Lys926Glu)

Genes: INSL6 (insulin like 6; minus strand), JAK2 (Janus kinase 2; plus strand). Cytogenetic location: 9p24.1.
Variant type: single nucleotide variant.
Coding change: c.2776A>G on transcript NM_004972.4 (MANE Select); coding-DNA position 2776, A replaced by G.
Protein change: p.Lys926Glu; replaces lysine 926 with glutamic acid.
Molecular consequence: missense variant. On other transcripts: non-coding transcript variant (2).
Genome position (GRCh38, 1-based): chr9:5,090,460, A>G. VCF-style: chr9-5090460-A-G. GRCh37 (hg19) VCF-style: chr9-5090460-A-G.
Other names: c.2776A>G, p.Lys926Glu (NM_001322194.2, NM_001322195.2, NM_001322196.2); c.1561A>G, p.Lys521Glu (NM_001322198.2, NM_001322199.2); c.2329A>G, p.Lys777Glu (NM_001322204.2); short protein forms K521E, K777E, K926E.
Identifiers: ClinVar variation 1722803 (VCV001722803.2), dbSNP rs2489124398, ClinGen allele CA372829280.